The following is an entry in ClinVar:

NM_144563.3(RPIA):c.74C>G (p.Ala25Gly)

Genes: RPIA (ribose 5-phosphate isomerase A; plus strand), LOC129934277 (ATAC-STARR-seq lymphoblastoid silent region 11733; plus strand). Cytogenetic location: 2p11.2.
Variant type: single nucleotide variant.
Coding change: c.74C>G on transcript NM_144563.3 (MANE Select); coding-DNA position 74, C replaced by G.
Protein change: p.Ala25Gly; replaces alanine 25 with glycine.
Molecular consequence: missense variant.
Genome position (GRCh38, 1-based): chr2:88,691,772, C>G. VCF-style: chr2-88691772-C-G. GRCh37 (hg19) VCF-style: chr2-88991290-C-G.
Other names: short protein forms A25G.
Identifiers: ClinVar variation 1978867 (VCV001978867.3), dbSNP rs749027103, ClinGen allele CA1755071.

ClinVar aggregate classification (germline): Uncertain significance (1 of 4 stars; one submission).

Allele frequency attached by ClinVar (database versions not stated): ExAC 0.00001; gnomAD 0.00001; TOPMed 0.00001; gnomAD exomes 0.00002.
gnomAD v4.1: 27 of 1,590,708 alleles (0.0017%); highest among the groups gnomAD compares: Non-Finnish European, 0.0023%; no homozygotes.

Submission:

Labcorp Genetics (formerly Invitae), Labcorp
Classification: Uncertain significance. Last evaluated: 2026-01-22. Review status: criteria provided, single submitter. Criteria: Invitae Variant Classification Sherloc (09022015). Collection method: clinical testing. Allele origin: germline.
Comment: This sequence change replaces alanine, which is neutral and non-polar, with glycine, which is neutral and non-polar, at codon 25 of the RPIA protein (p.Ala25Gly). This variant is present in population databases (rs749027103, gnomAD 0.01%). This variant has not been reported in the literature in individuals affected with RPIA-related conditions. ClinVar contains an entry for this variant (Variation ID: 1978867). An algorithm developed to predict the effect of missense changes on protein structure and function (PolyPhen-2) suggests that this variant is likely to be tolerated. In summary, the available evidence is currently insufficient to determine the role of this variant in disease. Therefore, it has been classified as a Variant of Uncertain Significance.